The following is an entry in ClinVar:

NM_001171613.2(PREPL):c.1783A>T (p.Ile595Phe)

Genes: PREPL (prolyl endopeptidase like; minus strand), SLC3A1 (solute carrier family 3 member 1; plus strand). Cytogenetic location: 2p21.
Variant type: single nucleotide variant.
Coding change: c.1783A>T on transcript NM_001171613.2 (MANE Select); coding-DNA position 1783, A replaced by T.
Protein change: p.Ile595Phe; replaces isoleucine 595 with phenylalanine.
Molecular consequence: missense variant.
Genome position (GRCh38, 1-based): chr2:44,321,871, T>A on the plus strand (A>T on the coding strand, the complement: PREPL is on the minus strand). VCF-style: chr2-44321871-T-A. GRCh37 (hg19) VCF-style: chr2-44549010-T-A.
Other names: c.1864A>T, p.Ile622Phe (NM_001042385.2); c.1852A>T, p.Ile618Phe (NM_001042386.2); c.2050A>T, p.Ile684Phe (NM_001171603.1, NM_001171606.2, NM_001374275.1 and 2 more transcripts); c.1783A>T, p.Ile595Phe (NM_001171617.1, NM_001374277.1); short protein forms I618F, I595F, I684F, I622F.
Identifiers: ClinVar variation 1036670 (VCV001036670.6), dbSNP rs200605467, ClinGen allele CA1640950.

ClinVar aggregate classification (germline): Uncertain significance. Review status: criteria provided, multiple submitters, no conflicts (2 of 4 stars). 2 submissions from 2 submitters: Uncertain significance (2). Last evaluated 2022-08-30.

Conditions:
Myasthenic syndrome, congenital, 22 (CMS22). Also called: PREPL DEFICIENCY. Identifiers: MedGen C4479088, MONDO:0044299, OMIM 616224.
Inborn genetic diseases. Identifiers: MedGen C0950123, MeSH D030342.

Allele frequency attached by ClinVar (database versions not stated): gnomAD 0.00007 and 0.00008; ExAC 0.00004; ESP Exome Variant Server 0.00008; 1000 Genomes Project 30x 0.00031; 1000 Genomes Project 0.00040; gnomAD exomes 0.00004; TOPMed 0.00009.
gnomAD v4.1: 19 of 1,613,666 alleles (0.0012%); highest among the groups gnomAD compares: African/African-American, 0.016%; no homozygotes.

Submissions (4):

Ambry Genetics
Classification: Uncertain significance for Inborn genetic diseases. Last evaluated: 2022-08-30. Review status: criteria provided, single submitter. Criteria: Ambry Variant Classification Scheme 2023. Collection method: clinical testing. Allele origin: germline.

Labcorp Genetics (formerly Invitae), Labcorp
Classification: Uncertain significance for Myasthenic syndrome, congenital, 22. Last evaluated: 2022-03-18. Review status: criteria provided, single submitter. Criteria: Invitae Variant Classification Sherloc (09022015). Collection method: clinical testing. Allele origin: germline.
Comment: This sequence change replaces isoleucine, which is neutral and non-polar, with phenylalanine, which is neutral and non-polar, at codon 684 of the PREPL protein (p.Ile684Phe). This variant is present in population databases (rs200605467, gnomAD 0.03%). This variant has not been reported in the literature in individuals affected with PREPL-related conditions. ClinVar contains an entry for this variant (Variation ID: 1036670). Algorithms developed to predict the effect of missense changes on protein structure and function are either unavailable or do not agree on the potential impact of this missense change (SIFT: "Deleterious"; PolyPhen-2: "Possibly Damaging"; Align-GVGD: "Class C0"). In summary, the available evidence is currently insufficient to determine the role of this variant in disease. Therefore, it has been classified as a Variant of Uncertain Significance.

Dr. Peter K. Rogan Lab, Western University
No classification provided (evidence only). Condition: Clear cell carcinoma of kidney. Review status: no classification provided. Collection method: in vitro. Allele origin: not applicable. Functional consequence: retained intron. Not counted in ClinVar's aggregate classification.

Dr. Peter K. Rogan Lab, Western University
No classification provided (evidence only). Condition: Ovarian serous cystadenocarcinoma. Review status: no classification provided. Collection method: in vitro. Allele origin: not applicable. Functional consequence: retained intron. Not counted in ClinVar's aggregate classification.